The following is an entry in ClinVar:

NM_014991.6(WDFY3):c.5583A>G (p.Gly1861=)

Gene: WDFY3 (WD repeat and FYVE domain containing 3; minus strand). Cytogenetic location: 4q21.23.
Variant type: single nucleotide variant.
Coding change: c.5583A>G on transcript NM_014991.6 (MANE Select); coding-DNA position 5583, A replaced by G.
Protein change: p.Gly1861=; no amino-acid change (glycine 1861 retained).
Molecular consequence: synonymous variant.
Genome position (GRCh38, 1-based): chr4:84,753,853, T>C on the plus strand (A>G on the coding strand, the complement: WDFY3 is on the minus strand). VCF-style: chr4-84753853-T-C. GRCh37 (hg19) VCF-style: chr4-85675006-T-C.
Identifiers: ClinVar variation 3052245 (VCV003052245.2), dbSNP rs1210598918, ClinGen allele CA440123097.

ClinVar aggregate classification (germline): Likely benign (0 of 4 stars; one submission).

Conditions:
WDFY3-related disorder.

Allele frequency attached by ClinVar (database versions not stated): gnomAD exomes below 0.00001; TOPMed below 0.00001.
gnomAD v4.1: 2 of 1,597,306 alleles (0.00013%); highest among the groups gnomAD compares: Admixed American, 0.0036%; no homozygotes.

Submission:

PreventionGenetics, part of Exact Sciences
Classification: Likely benign for WDFY3-related condition. Last evaluated: 2020-01-13. Review status: no assertion criteria provided. Collection method: clinical testing. Allele origin: germline.
Comment: This variant is classified as likely benign based on ACMG/AMP sequence variant interpretation guidelines (Richards et al. 2015 PMID: 25741868, with internal and published modifications).